The following is an entry in ClinVar:

ClinVar aggregate classification (germline): Uncertain significance (1 of 4 stars; one submission).

Conditions:
Hereditary cancer-predisposing syndrome. Also called: Neoplastic Syndromes, Hereditary; Tumor predisposition; Hereditary Cancer Syndrome; Hereditary neoplastic syndrome. Identifiers: Orphanet 140162, MedGen C0027672, MeSH D009386, MONDO:0015356.

Submission:

Ambry Genetics
Classification: Uncertain significance for Hereditary cancer-predisposing syndrome. Last evaluated: 2020-03-13. Review status: criteria provided, single submitter. Criteria: Ambry Variant Classification Scheme 2023. Collection method: clinical testing. Allele origin: germline.
Comment: The p.S608L variant (also known as c.1823C>T), located in coding exon 15 of the MRE11A gene, results from a C to T substitution at nucleotide position 1823. The serine at codon 608 is replaced by leucine, an amino acid with dissimilar properties. This amino acid position is highly conserved in available vertebrate species. In addition, the in silico prediction for this alteration is inconclusive. Since supporting evidence is limited at this time, the clinical significance of this alteration remains unclear.

NM_005591.4(MRE11):c.1823C>T (p.Ser608Leu)

Gene: MRE11 (MRE11 double strand break repair nuclease; minus strand). Cytogenetic location: 11q21.
Variant type: single nucleotide variant.
Coding change: c.1823C>T on transcript NM_005591.4 (MANE Select); coding-DNA position 1823, C replaced by T.
Protein change: p.Ser608Leu; replaces serine 608 with leucine.
Molecular consequence: missense variant. On other transcripts: intron variant (1).
Genome position (GRCh38, 1-based): chr11:94,445,854, G>A on the plus strand (C>T on the coding strand, the complement: MRE11 is on the minus strand). VCF-style: chr11-94445854-G-A. GRCh37 (hg19) VCF-style: chr11-94179020-G-A.
Other names: c.1820C>T, p.Ser607Leu (NM_001330347.2); c.1783+1365C>T (NM_005590.4); short protein forms S607L, S608L.
Identifiers: ClinVar variation 1800230 (VCV001800230.2), dbSNP rs2496280403, ClinGen allele CA382366658.
Genomic context (GRCh38, chr11:94,445,854, plus strand): 5'-TGCAGTCTATACTCACCATCTATAATAGACATATTTCTAGATGCTGACACAGCAGTCTTT[G>A]AGTTCCTGCTACGGGTAGAAGTCTCCAGACCAGTGTCTGCTGTTAGAAAAATGAACAGTC-3'
Protein context (NP_005582.1, residues 598-618): GLETSTRSRN[Ser608Leu]KTAVSASRNM